The following is an entry in ClinVar:

NM_001077350.3(NPRL3):c.17G>A (p.Ser6Asn)

Genes: HBA-LCR (alpha-globin locus control region; plus strand), NPRL3 (NPR3 like, GATOR1 complex subunit; minus strand). Cytogenetic location: 16p13.3.
Variant type: single nucleotide variant.
Coding change: c.17G>A on transcript NM_001077350.3 (MANE Select); coding-DNA position 17, G replaced by A.
Protein change: p.Ser6Asn; replaces serine 6 with asparagine.
Molecular consequence: missense variant. On other transcripts: 5 prime UTR variant (2).
Genome position (GRCh38, 1-based): chr16:138,251, C>T on the plus strand (G>A on the coding strand, the complement: NPRL3 is on the minus strand). VCF-style: chr16-138251-C-T. GRCh37 (hg19) VCF-style: chr16-188250-C-T.
Other names: c.-316G>A (NM_001039476.3); c.-355G>A (NM_001243247.2); c.17G>A, p.Ser6Asn (NM_001243248.2, NM_001243249.2); c.17G>A (NM_001077350.2); short protein forms S6N.
Identifiers: ClinVar variation 1480285 (VCV001480285.7), dbSNP rs1901212695, ClinGen allele CA393999698.

ClinVar aggregate classification (germline): Uncertain significance. Review status: criteria provided, multiple submitters, no conflicts (2 of 4 stars). 2 submissions from 2 submitters: Uncertain significance (2). Last evaluated 2026-03-17.

Conditions:
Epilepsy, familial focal, with variable foci 3 (FFEVF3). Identifiers: MedGen C4310708, MONDO:0014925, OMIM 617118.
Inborn genetic diseases. Identifiers: MedGen C0950123, MeSH D030342.

Allele frequency attached by ClinVar (database versions not stated): gnomAD 0.00001.
gnomAD v4.1: 13 of 1,605,044 alleles (0.00081%); highest among the groups gnomAD compares: East Asian, 0.0022%; no homozygotes.

Submissions (2):

Ambry Genetics
Classification: Uncertain significance for Inborn genetic diseases. Last evaluated: 2026-03-17. Review status: criteria provided, single submitter. Criteria: Ambry Variant Classification Scheme 2023. Collection method: clinical testing. Allele origin: germline.

Labcorp Genetics (formerly Invitae), Labcorp
Classification: Uncertain significance for Epilepsy, familial focal, with variable foci 3. Last evaluated: 2024-10-30. Review status: criteria provided, single submitter. Criteria: Invitae Variant Classification Sherloc (09022015). Collection method: clinical testing. Allele origin: germline.
Comment: This sequence change replaces serine, which is neutral and polar, with asparagine, which is neutral and polar, at codon 6 of the NPRL3 protein (p.Ser6Asn). This variant is not present in population databases (gnomAD no frequency). This variant has not been reported in the literature in individuals affected with NPRL3-related conditions. ClinVar contains an entry for this variant (Variation ID: 1480285). Invitae Evidence Modeling of protein sequence and biophysical properties (such as structural, functional, and spatial information, amino acid conservation, physicochemical variation, residue mobility, and thermodynamic stability) indicates that this missense variant is not expected to disrupt NPRL3 protein function with a negative predictive value of 80%. In summary, the available evidence is currently insufficient to determine the role of this variant in disease. Therefore, it has been classified as a Variant of Uncertain Significance.